The following is an entry in ClinVar:

NM_000057.4(BLM):c.1072A>C (p.Ser358Arg)

Gene: BLM (BLM RecQ like helicase; plus strand). Cytogenetic location: 15q26.1.
Variant type: single nucleotide variant.
Coding change: c.1072A>C on transcript NM_000057.4 (MANE Select); coding-DNA position 1072, A replaced by C.
Protein change: p.Ser358Arg; replaces serine 358 with arginine.
Molecular consequence: missense variant. On other transcripts: 5 prime UTR variant (1).
Genome position (GRCh38, 1-based): chr15:90,754,923, A>C. VCF-style: chr15-90754923-A-C. GRCh37 (hg19) VCF-style: chr15-91298153-A-C.
Other names: c.1072A>C, p.Ser358Arg (NM_001287246.2, NM_001287247.2); c.-220A>C (NM_001287248.2); short protein forms S358R.
Identifiers: ClinVar variation 998876 (VCV000998876.12), dbSNP rs1336484885, ClinGen allele CA393842230.

ClinVar aggregate classification (germline): Uncertain significance. Review status: criteria provided, multiple submitters, no conflicts (2 of 4 stars). 2 submissions from 2 submitters: Uncertain significance (2). Last evaluated 2021-02-11.

Conditions:
Hereditary cancer-predisposing syndrome. Also called: Neoplastic Syndromes, Hereditary; Tumor predisposition; Hereditary Cancer Syndrome; Hereditary neoplastic syndrome. Identifiers: Orphanet 140162, MedGen C0027672, MeSH D009386, MONDO:0015356.
Bloom syndrome (BLM). Also called: Bloom-Torre-Machacek syndrome. Identifiers: Orphanet 125, MedGen C0005859, MONDO:0008876, OMIM 210900.

Allele frequency attached by ClinVar (database versions not stated): gnomAD exomes below 0.00001.
gnomAD v4.1: 2 of 1,613,976 alleles (0.00012%); highest among the groups gnomAD compares: Non-Finnish European, 0.00017%; no homozygotes.

Submissions (2):

Ambry Genetics
Classification: Uncertain significance for Hereditary cancer-predisposing syndrome. Last evaluated: 2021-02-11. Review status: criteria provided, single submitter. Criteria: Ambry Variant Classification Scheme 2023. Collection method: clinical testing. Allele origin: germline.
Comment: The p.S358R variant (also known as c.1072A>C), located in coding exon 4 of the BLM gene, results from an A to C substitution at nucleotide position 1072. The serine at codon 358 is replaced by arginine, an amino acid with dissimilar properties. This amino acid position is not well conserved in available vertebrate species. In addition, this alteration is predicted to be tolerated by in silico analysis. Since supporting evidence is limited at this time, the clinical significance of this alteration remains unclear.

Labcorp Genetics (formerly Invitae), Labcorp
Classification: Uncertain significance for Bloom syndrome. Last evaluated: 2020-01-13. Review status: criteria provided, single submitter. Criteria: Invitae Variant Classification Sherloc (09022015). Collection method: clinical testing. Allele origin: germline.
Comment: This sequence change replaces serine with arginine at codon 358 of the BLM protein (p.Ser358Arg). The serine residue is weakly conserved and there is a moderate physicochemical difference between serine and arginine. In summary, the available evidence is currently insufficient to determine the role of this variant in disease. Therefore, it has been classified as a Variant of Uncertain Significance. Algorithms developed to predict the effect of missense changes on protein structure and function (SIFT, PolyPhen-2, Align-GVGD) all suggest that this variant is likely to be tolerated, but these predictions have not been confirmed by published functional studies and their clinical significance is uncertain. This variant has not been reported in the literature in individuals with BLM-related conditions. This variant is not present in population databases (ExAC no frequency).